The following is an entry in ClinVar:

NM_001377.3(DYNC2H1):c.7883dup (p.Leu2628fs)

Gene: DYNC2H1 (dynein cytoplasmic 2 heavy chain 1; plus strand). Cytogenetic location: 11q22.3.
Variant type: Duplication.
Coding change: c.7883dup on transcript NM_001377.3 (MANE Select); coding-DNA position 7883, one base duplicated (T; older notation c.7883dupT).
Protein change: p.Leu2628fs; shifts the reading frame from leucine 2628.
Molecular consequence: frameshift variant.
Genome position (GRCh38, 1-based): chr11:103,199,271, T duplicated; the last of 4 consecutive T bases (chr11:103,199,268-103,199,271); duplicating any one gives the same sequence. VCF-style (leftmost placement, unchanged base first): chr11-103199267-A-AT. GRCh37 (hg19) VCF-style: chr11-103069996-A-AT.
Other names: c.7883dup, p.Leu2628fs (NM_001080463.2); short protein forms L2628fs.
Identifiers: ClinVar variation 5014342 (VCV005014342.1).

ClinVar aggregate classification (germline): Pathogenic (1 of 4 stars; one submission).

Conditions:
Asphyxiating thoracic dystrophy 3. Also called: Saldino-Noonan Syndrome; SHORT-RIB THORACIC DYSPLASIA 3 WITH OR WITHOUT POLYDACTYLY; POLYDACTYLY WITH NEONATAL CHONDRODYSTROPHY, TYPE I; SHORT-RIB THORACIC DYSPLASIA 3/6 WITH POLYDACTYLY, DIGENIC; Short rib polydactyly syndrome 2B. Identifiers: Orphanet 474, Orphanet 93269, Orphanet 93270, Orphanet 93271, MedGen C0036069, MONDO:0013127, OMIM 613091.

Submission:

Myriad Genetics, Inc.
Classification: Pathogenic for Asphyxiating thoracic dystrophy 3. Last evaluated: 2025-04-19. Review status: criteria provided, single submitter. Criteria: Myriad Autosomal Dominant, Autosomal Recessive and X-Linked Classification Criteria (2023). Collection method: clinical testing. Allele origin: unknown.
Comment: NM_001377.2(DYNC2H1):c.7883dupT(L2628Ffs*12) is expected to be pathogenic in the context of DYNC2H1-related disorders. This variant is predicted to lead to an abnormal or absent protein product due to the creation of a premature termination codon in DYNC2H1, a gene where loss-of-function variants are known to be pathogenic. Please note: this variant was assessed in the context of healthy population screening.